The following is an entry in ClinVar:

NM_012213.3(MLYCD):c.814C>T (p.His272Tyr)

Genes: MLYCD (malonyl-CoA decarboxylase; plus strand), LOC126862422 (CDK7 strongly-dependent group 2 enhancer GRCh37_chr16:83945234-83946433; plus strand). Cytogenetic location: 16q23.3.
Variant type: single nucleotide variant.
Coding change: c.814C>T on transcript NM_012213.3 (MANE Select); coding-DNA position 814, C replaced by T.
Protein change: p.His272Tyr; replaces histidine 272 with tyrosine.
Molecular consequence: missense variant.
Genome position (GRCh38, 1-based): chr16:83,912,233, C>T. VCF-style: chr16-83912233-C-T. GRCh37 (hg19) VCF-style: chr16-83945838-C-T.
Other names: short protein forms H272Y.
Identifiers: ClinVar variation 1415137 (VCV001415137.3), dbSNP rs112428248, ClinGen allele CA285428938.

ClinVar aggregate classification (germline): Uncertain significance (1 of 4 stars; one submission).

Conditions:
Deficiency of malonyl-CoA decarboxylase. Also called: Malonic aciduria; MCD deficiency. Identifiers: Orphanet 943, MedGen C0342793, MONDO:0009556, OMIM 248360.

Allele frequency attached by ClinVar (database versions not stated): gnomAD exomes below 0.00001.

Submission:

Labcorp Genetics (formerly Invitae), Labcorp
Classification: Uncertain significance for Deficiency of malonyl-CoA decarboxylase. Last evaluated: 2021-09-20. Review status: criteria provided, single submitter. Criteria: Invitae Variant Classification Sherloc (09022015). Collection method: clinical testing. Allele origin: germline.
Comment: This sequence change replaces histidine with tyrosine at codon 272 of the MLYCD protein (p.His272Tyr). The histidine residue is weakly conserved and there is a moderate physicochemical difference between histidine and tyrosine. This variant is not present in population databases (ExAC no frequency). This variant has not been reported in the literature in individuals affected with MLYCD-related conditions. Algorithms developed to predict the effect of missense changes on protein structure and function output the following: SIFT: "Tolerated"; PolyPhen-2: "Benign"; Align-GVGD: "Class C0". The tyrosine amino acid residue is found in multiple mammalian species, which suggests that this missense change does not adversely affect protein function. In summary, the available evidence is currently insufficient to determine the role of this variant in disease. Therefore, it has been classified as a Variant of Uncertain Significance.